The following is an entry in ClinVar:

ClinVar aggregate classification (germline): Likely pathogenic (1 of 4 stars; one submission).

Conditions:
F9-related disorder. Also called: F9-related condition.

Submission:

PreventionGenetics, part of Exact Sciences
Classification: Likely pathogenic for F9-related condition. Last evaluated: 2026-01-28. Review status: criteria provided, single submitter. Criteria: ACMG Guidelines, 2015. Collection method: clinical testing. Allele origin: germline.
Comment: The F9 c.1145G>A variant is predicted to result in the amino acid substitution p.Cys382Tyr. This variant, referred to as Cys336Tyr in legacy literature, has been reported in individuals with hemophilia B (Giannelli et al. 1994. PubMed ID: 7937052; Hamasaki-Katagiri et al. 2012. PubMed ID: 22639855; Kihlberg et al. 2022. PubMed ID: 35842956). Alternate missense variants at the same amino acid position (p.Cys382Arg, p.Cys382Gly, p.Cys382Tyr) have been reported in individuals affected with hemophilia B (Branchini and Pinotti. 2020. PubMed ID: 31978811) and the p.Cys382Arg has been classified as pathogenic in ClinVar (Variation ID: 10614). The c.1145G>A variant has not been reported in a large population database (gnomAD), indicating this variant is rare. This variant is interpreted as likely pathogenic.

NM_000133.4(F9):c.1145G>A (p.Cys382Tyr)

Gene: F9 (coagulation factor IX; plus strand). Cytogenetic location: Xq27.1.
Variant type: single nucleotide variant.
Coding change: c.1145G>A on transcript NM_000133.4 (MANE Select); coding-DNA position 1145, G replaced by A.
Protein change: p.Cys382Tyr; replaces cysteine 382 with tyrosine.
Molecular consequence: missense variant.
Genome position (GRCh38, 1-based): chrX:139,561,830, G>A. VCF-style: chrX-139561830-G-A. GRCh37 (hg19) VCF-style: chrX-138643989-G-A.
Other names: c.1031G>A, p.Cys344Tyr (NM_001313913.2); short protein forms C344Y, C382Y.
Identifiers: ClinVar variation 4998523 (VCV004998523.1).